The following is an entry in ClinVar:

ClinVar aggregate classification (germline): Likely benign. Review status: criteria provided, multiple submitters, no conflicts (2 of 4 stars). 3 submissions from 3 submitters: Likely benign (3). Last evaluated 2024-12-01.

Allele frequency attached by ClinVar (database versions not stated): TOPMed 0.00001; gnomAD exomes 0.00002; ExAC 0.00007.
gnomAD v4.1: 3 of 1,457,986 alleles (0.00021%); highest among the groups gnomAD compares: Non-Finnish European, 0.00027%; no homozygotes.

Submissions (3):

CeGaT Center for Human Genetics Tuebingen
Classification: Likely benign. Last evaluated: 2024-12-01. Review status: criteria provided, single submitter. Criteria: CeGaT Center For Human Genetics Tuebingen Variant Classification Criteria Version 2. Collection method: clinical testing. Allele origin: germline. Affected: yes. Observed: 1 variant allele.
Comment: DEAF1: BP4, BP7

Blueprint Genetics
Classification: Likely benign. Last evaluated: 2023-11-17. Review status: criteria provided, single submitter. Criteria: ACMG Guidelines, 2015. Collection method: clinical testing. Allele origin: germline.

Genetic Services Laboratory, University of Chicago
Classification: Likely benign. Last evaluated: 2016-03-02. Review status: criteria provided, single submitter. Criteria: ACMG Guidelines, 2015. Collection method: clinical testing. Allele origin: germline. Affected: no.

NM_021008.4(DEAF1):c.219C>A (p.Pro73=)

Gene: DEAF1 (DEAF1 transcription factor; minus strand). Cytogenetic location: 11p15.5.
Variant type: single nucleotide variant.
Coding change: c.219C>A on transcript NM_021008.4 (MANE Select); coding-DNA position 219, C replaced by A.
Protein change: p.Pro73=; no amino-acid change (proline 73 retained).
Molecular consequence: synonymous variant. On other transcripts: intron variant (1).
Genome position (GRCh38, 1-based): chr11:694,829, G>T on the plus strand (C>A on the coding strand, the complement: DEAF1 is on the minus strand). VCF-style: chr11-694829-G-T. GRCh37 (hg19) VCF-style: chr11-694829-G-T.
Other names: c.219C>A, p.Pro73= (NM_001293634.2); c.-437-3231C>A (NM_001367390.1).
Identifiers: ClinVar variation 434928 (VCV000434928.20), dbSNP rs758787132, ClinGen allele CA5786626.